The following is an entry in ClinVar:

NM_020207.7(ERCC6L2):c.371G>A (p.Arg124Lys)

Gene: ERCC6L2 (ERCC excision repair 6 like 2; plus strand). Cytogenetic location: 9q22.32.
Variant type: single nucleotide variant.
Coding change: c.371G>A on transcript NM_020207.7 (MANE Select); coding-DNA position 371, G replaced by A.
Protein change: p.Arg124Lys; replaces arginine 124 with lysine.
Molecular consequence: missense variant. On other transcripts: non-coding transcript variant (1).
Genome position (GRCh38, 1-based): chr9:95,881,193, G>A. VCF-style: chr9-95881193-G-A. GRCh37 (hg19) VCF-style: chr9-98643475-G-A.
Other names: c.371G>A, p.Arg124Lys (NM_001010895.4, NM_001375291.1, NM_001375292.1 and 2 more transcripts); short protein forms R124K.
Identifiers: ClinVar variation 4250582 (VCV004250582.1).

ClinVar aggregate classification (germline): Uncertain significance (1 of 4 stars; one submission).

Conditions:
Inborn genetic diseases. Identifiers: MedGen C0950123, MeSH D030342.

Submission:

Ambry Genetics
Classification: Uncertain significance for Inborn genetic diseases. Last evaluated: 2025-07-15. Review status: criteria provided, single submitter. Criteria: Ambry Variant Classification Scheme 2023. Collection method: clinical testing. Allele origin: germline.
Comment: The p.R124K variant (also known as c.371G>A), located in coding exon 2 of the ERCC6L2 gene, results from a G to A substitution at nucleotide position 371. The arginine at codon 124 is replaced by lysine, an amino acid with highly similar properties. This amino acid position is conserved. In addition, this alteration is predicted to be deleterious by in silico analysis. Based on the available evidence, the clinical significance of this variant remains unclear.